The following is an entry in ClinVar:

NM_000548.5(TSC2):c.5022C>G (p.Thr1674=)

Gene: TSC2 (TSC complex subunit 2; plus strand). Cytogenetic location: 16p13.3.
Variant type: single nucleotide variant.
Coding change: c.5022C>G on transcript NM_000548.5 (MANE Select); coding-DNA position 5022, C replaced by G.
Protein change: p.Thr1674=; no amino-acid change (threonine 1674 retained).
Molecular consequence: synonymous variant.
Genome position (GRCh38, 1-based): chr16:2,087,895, C>G. VCF-style: chr16-2087895-C-G. GRCh37 (hg19) VCF-style: chr16-2137896-C-G.
Other names: c.4821C>G, p.Thr1607= (NM_001077183.3); c.4953C>G, p.Thr1651= (NM_001114382.3); c.4713C>G, p.Thr1571= (NM_001318827.2); c.4677C>G, p.Thr1559= (NM_001318829.2); c.4290C>G, p.Thr1430= (NM_001318831.2); c.4854C>G, p.Thr1618= (NM_001318832.2); c.4824C>G, p.Thr1608= (NM_001363528.2); c.4890C>G, p.Thr1630= (NM_001370404.1); and 1 more.
Identifiers: ClinVar variation 536052 (VCV000536052.18), dbSNP rs777184691, ClinGen allele CA493043609.

ClinVar aggregate classification (germline): Benign/Likely benign. Review status: criteria provided, multiple submitters, no conflicts (2 of 4 stars). 4 submissions from 4 submitters: Benign (1); Likely benign (3). Last evaluated 2025-08-01.

Conditions:
Hereditary cancer-predisposing syndrome. Also called: Hereditary Cancer Syndrome; Tumor predisposition; Neoplastic Syndromes, Hereditary; Hereditary neoplastic syndrome. Identifiers: Orphanet 140162, MedGen C0027672, MeSH D009386, MONDO:0015356.
Tuberous sclerosis 2 (TSC2). Identifiers: Orphanet 805, MedGen C1860707, MONDO:0013199, OMIM 613254.

Submissions (4):

CeGaT Center for Human Genetics Tuebingen
Classification: Likely benign. Last evaluated: 2025-08-01. Review status: criteria provided, single submitter. Criteria: CeGaT Center For Human Genetics Tuebingen Variant Classification Criteria Version 2. Collection method: clinical testing. Allele origin: germline. Affected: yes. Observed: 1 variant allele.
Comment: TSC2: PM2:Supporting, BP4, BP7

Ambry Genetics
Classification: Likely benign for Hereditary cancer-predisposing syndrome. Last evaluated: 2025-07-31. Review status: criteria provided, single submitter. Criteria: Ambry Variant Classification Scheme 2023. Collection method: clinical testing. Allele origin: germline.

Myriad Genetics, Inc.
Classification: Benign for Tuberous sclerosis 2. Last evaluated: 2025-06-05. Review status: criteria provided, single submitter. Criteria: Myriad Autosomal Dominant, Autosomal Recessive and X-Linked Classification Criteria (2023). Collection method: clinical testing. Allele origin: unknown.
Comment: This variant is considered benign. This variant is a silent/synonymous amino acid change and it is not expected to impact splicing.

Labcorp Genetics (formerly Invitae), Labcorp
Classification: Likely benign for Tuberous sclerosis 2. Last evaluated: 2024-06-25. Review status: criteria provided, single submitter. Criteria: Invitae Variant Classification Sherloc (09022015). Collection method: clinical testing. Allele origin: germline.